The following is an entry in ClinVar:

ClinVar aggregate classification (germline): Uncertain significance (1 of 4 stars; one submission).

Submission:

GeneDx
Classification: Uncertain significance. Last evaluated: 2024-07-02. Review status: criteria provided, single submitter. Criteria: GeneDx Variant Classification Process June 2021. Collection method: clinical testing. Allele origin: germline. Affected: yes.
Comment: Not observed at significant frequency in large population cohorts (gnomAD); In silico analysis supports that this missense variant has a deleterious effect on protein structure/function; Has not been previously published as pathogenic or benign to our knowledge

NM_003587.5(DHX16):c.1706T>G (p.Val569Gly)

Gene: DHX16 (DEAH-box helicase 16; minus strand). Cytogenetic location: 6p21.33.
Variant type: single nucleotide variant.
Coding change: c.1706T>G on transcript NM_003587.5 (MANE Select); coding-DNA position 1706, T replaced by G.
Protein change: p.Val569Gly; replaces valine 569 with glycine.
Molecular consequence: missense variant.
Genome position (GRCh38, 1-based): chr6:30,660,081, A>C on the plus strand (T>G on the coding strand, the complement: DHX16 is on the minus strand). VCF-style: chr6-30660081-A-C. GRCh37 (hg19) VCF-style: chr6-30627858-A-C.
Other names: c.1526T>G, p.Val509Gly (NM_001164239.2); c.263T>G, p.Val88Gly (NM_001363515.2); short protein forms V569G, V509G, V88G.
Identifiers: ClinVar variation 3393694 (VCV003393694.1).